The following is an entry in ClinVar:

ClinVar aggregate classification (germline): Uncertain significance (1 of 4 stars; one submission).

Allele frequency attached by ClinVar (database versions not stated): TOPMed below 0.00001; gnomAD 0.00001.
gnomAD v4.1: 1 of 1,613,594 alleles (0.000062%); highest among the groups gnomAD compares: African/African-American, 0.0013%; no homozygotes.

Submission:

Labcorp Genetics (formerly Invitae), Labcorp
Classification: Uncertain significance. Last evaluated: 2022-10-03. Review status: criteria provided, single submitter. Criteria: Invitae Variant Classification Sherloc (09022015). Collection method: clinical testing. Allele origin: germline.
Comment: In summary, the available evidence is currently insufficient to determine the role of this variant in disease. Therefore, it has been classified as a Variant of Uncertain Significance. Advanced modeling of protein sequence and biophysical properties (such as structural, functional, and spatial information, amino acid conservation, physicochemical variation, residue mobility, and thermodynamic stability) performed at Invitae indicates that this missense variant is not expected to disrupt COL7A1 protein function. This variant has not been reported in the literature in individuals affected with COL7A1-related conditions. This variant is not present in population databases (gnomAD no frequency). This sequence change replaces serine, which is neutral and polar, with phenylalanine, which is neutral and non-polar, at codon 732 of the COL7A1 protein (p.Ser732Phe).

NM_000094.4(COL7A1):c.2195C>T (p.Ser732Phe)

Gene: COL7A1 (collagen type VII alpha 1 chain; minus strand). Cytogenetic location: 3p21.31.
Variant type: single nucleotide variant.
Coding change: c.2195C>T on transcript NM_000094.4 (MANE Select); coding-DNA position 2195, C replaced by T.
Protein change: p.Ser732Phe; replaces serine 732 with phenylalanine.
Molecular consequence: missense variant.
Genome position (GRCh38, 1-based): chr3:48,589,446, G>A on the plus strand (C>T on the coding strand, the complement: COL7A1 is on the minus strand). VCF-style: chr3-48589446-G-A. GRCh37 (hg19) VCF-style: chr3-48626879-G-A.
Other names: short protein forms S732F.
Identifiers: ClinVar variation 1987454 (VCV001987454.4), dbSNP rs960059732, ClinGen allele CA73988654.